The following is an entry in ClinVar:

ClinVar aggregate classification (germline): Uncertain significance (1 of 4 stars; one submission).

Submission:

GeneDx
Classification: Uncertain significance. Last evaluated: 2024-01-03. Review status: criteria provided, single submitter. Criteria: GeneDx Variant Classification Process June 2021. Collection method: clinical testing. Allele origin: germline. Affected: yes.
Comment: In silico analysis supports that this missense variant has a deleterious effect on protein structure/function; Has not been previously published as pathogenic or benign to our knowledge

NM_002968.3(SALL1):c.1532A>G (p.Tyr511Cys)

Gene: SALL1 (spalt like transcription factor 1; minus strand). Cytogenetic location: 16q12.1.
Variant type: single nucleotide variant.
Coding change: c.1532A>G on transcript NM_002968.3 (MANE Select); coding-DNA position 1532, A replaced by G.
Protein change: p.Tyr511Cys; replaces tyrosine 511 with cysteine.
Molecular consequence: missense variant.
Genome position (GRCh38, 1-based): chr16:51,140,690, T>C on the plus strand (A>G on the coding strand, the complement: SALL1 is on the minus strand). VCF-style: chr16-51140690-T-C. GRCh37 (hg19) VCF-style: chr16-51174601-T-C.
Other names: c.1241A>G, p.Tyr414Cys (NM_001127892.2); short protein forms Y414C, Y511C.
Identifiers: ClinVar variation 3370211 (VCV003370211.1).